The following is an entry in ClinVar:

ClinVar aggregate classification (germline): Uncertain significance (1 of 4 stars; one submission).

Submission:

Labcorp Genetics (formerly Invitae), Labcorp
Classification: Uncertain significance. Last evaluated: 2022-03-04. Review status: criteria provided, single submitter. Criteria: Invitae Variant Classification Sherloc (09022015). Collection method: clinical testing. Allele origin: germline.
Comment: In summary, the available evidence is currently insufficient to determine the role of this variant in disease. Therefore, it has been classified as a Variant of Uncertain Significance. Algorithms developed to predict the effect of missense changes on protein structure and function are either unavailable or do not agree on the potential impact of this missense change (SIFT: "Not Available"; PolyPhen-2: "Probably Damaging"; Align-GVGD: "Not Available"). This variant has not been reported in the literature in individuals affected with ADAMTS18-related conditions. This variant is not present in population databases (gnomAD no frequency). This sequence change replaces tryptophan, which is neutral and slightly polar, with cysteine, which is neutral and slightly polar, at codon 670 of the ADAMTS18 protein (p.Trp670Cys).

NM_199355.4(ADAMTS18):c.2010G>C (p.Trp670Cys)

Gene: ADAMTS18 (ADAM metallopeptidase with thrombospondin type 1 motif 18; minus strand). Cytogenetic location: 16q23.1.
Variant type: single nucleotide variant.
Coding change: c.2010G>C on transcript NM_199355.4 (MANE Select); coding-DNA position 2010, G replaced by C.
Protein change: p.Trp670Cys; replaces tryptophan 670 with cysteine.
Molecular consequence: missense variant.
Genome position (GRCh38, 1-based): chr16:77,325,888, C>G on the plus strand (G>C on the coding strand, the complement: ADAMTS18 is on the minus strand). VCF-style: chr16-77325888-C-G. GRCh37 (hg19) VCF-style: chr16-77359785-C-G.
Other names: c.1494G>C, p.Trp498Cys (NM_001326358.2); short protein forms W670C, W498C.
Identifiers: ClinVar variation 2106054 (VCV002106054.4), dbSNP rs2543659249, ClinGen allele CA396828940.